The following is an entry in ClinVar:

ClinVar aggregate classification (germline): Uncertain significance (1 of 4 stars; one submission).

Conditions:
Primary ciliary dyskinesia 6. Also called: Primary Ciliary Dyskinesia 6: TXNDC3-Related Primary Ciliary Dyskinesia. Identifiers: Orphanet 244, MedGen C1970506, MONDO:0012571, OMIM 610852.

gnomAD v4.1: 1 of 1,597,888 alleles (0.000063%); highest among the groups gnomAD compares: African/African-American, 0.0013%; no homozygotes.

Submission:

Labcorp Genetics (formerly Invitae), Labcorp
Classification: Uncertain significance for Primary ciliary dyskinesia 6. Last evaluated: 2025-05-21. Review status: criteria provided, single submitter. Criteria: Invitae Variant Classification Sherloc (09022015). Collection method: clinical testing. Allele origin: germline.
Comment: This sequence change replaces lysine, which is basic and polar, with arginine, which is basic and polar, at codon 344 of the NME8 protein (p.Lys344Arg). This variant is not present in population databases (gnomAD no frequency). This variant has not been reported in the literature in individuals affected with NME8-related conditions. Invitae Evidence Modeling of protein sequence and biophysical properties (such as structural, functional, and spatial information, amino acid conservation, physicochemical variation, residue mobility, and thermodynamic stability) has been performed for this missense variant. However, the output from this modeling did not meet the statistical confidence thresholds required to predict the impact of this variant on NME8 protein function. In summary, the available evidence is currently insufficient to determine the role of this variant in disease. Therefore, it has been classified as a Variant of Uncertain Significance.

NM_016616.5(NME8):c.1031A>G (p.Lys344Arg)

Gene: NME8 (NME/NM23 family member 8; plus strand). Cytogenetic location: 7p14.1.
Variant type: single nucleotide variant.
Coding change: c.1031A>G on transcript NM_016616.5 (MANE Select); coding-DNA position 1031, A replaced by G.
Protein change: p.Lys344Arg; replaces lysine 344 with arginine.
Molecular consequence: missense variant.
Genome position (GRCh38, 1-based): chr7:37,884,339, A>G. VCF-style: chr7-37884339-A-G. GRCh37 (hg19) VCF-style: chr7-37923941-A-G.
Other names: short protein forms K344R.
Identifiers: ClinVar variation 4700414 (VCV004700414.1).